The following is an entry in ClinVar:

NM_001130438.3(SPTAN1):c.6078T>A (p.Phe2026Leu)

Gene: SPTAN1 (spectrin alpha, non-erythrocytic 1; plus strand). Cytogenetic location: 9q34.11.
Variant type: single nucleotide variant.
Coding change: c.6078T>A on transcript NM_001130438.3 (MANE Select); coding-DNA position 6078, T replaced by A.
Protein change: p.Phe2026Leu; replaces phenylalanine 2026 with leucine.
Molecular consequence: missense variant.
Genome position (GRCh38, 1-based): chr9:128,625,777, T>A. VCF-style: chr9-128625777-T-A. GRCh37 (hg19) VCF-style: chr9-131388056-T-A.
Other names: c.6003T>A, p.Phe2001Leu (NM_001195532.2); c.6078T>A, p.Phe2026Leu (NM_001363759.2, NM_001375310.1, NM_001375311.2 and 1 more transcripts); c.6018T>A, p.Phe2006Leu (NM_001363765.2, NM_001375314.2); c.6114T>A, p.Phe2038Leu (NM_001375312.2, NM_001375318.1); c.6063T>A, p.Phe2021Leu (NM_003127.4); short protein forms F2001L, F2006L, F2021L, F2026L, F2038L.
Identifiers: ClinVar variation 3903084 (VCV003903084.2).

ClinVar aggregate classification (germline): Uncertain significance (1 of 4 stars; one submission).

Submission:

GeneDx
Classification: Uncertain significance. Last evaluated: 2026-02-11. Review status: criteria provided, single submitter. Criteria: GeneDx Variant Classification Process June 2021. Collection method: clinical testing. Allele origin: germline.
Comment: Not observed at significant frequency in large population cohorts (gnomAD); In silico analysis supports that this missense variant has a deleterious effect on protein structure/function; Has not been previously published as pathogenic or benign to our knowledge